The following is an entry in ClinVar:

NM_000070.3(CAPN3):c.1466G>A (p.Arg489Gln)

Gene: CAPN3 (calpain 3; plus strand). Cytogenetic location: 15q15.1.
Variant type: single nucleotide variant.
Coding change: c.1466G>A on transcript NM_000070.3 (MANE Select); coding-DNA position 1466, G replaced by A.
Protein change: p.Arg489Gln; replaces arginine 489 with glutamine.
Molecular consequence: missense variant.
Genome position (GRCh38, 1-based): chr15:42,401,752, G>A. VCF-style: chr15-42401752-G-A. GRCh37 (hg19) VCF-style: chr15-42693950-G-A.
Other names: NM_000070.3(CAPN3):c.1466G>A; c.1466G>A, p.Arg489Gln (NM_024344.2); c.1322G>A, p.Arg441Gln (NM_173087.2); short protein forms R489Q, R441Q.
Identifiers: ClinVar variation 289644 (VCV000289644.80), dbSNP rs147764579, ClinGen allele CA7511363.

ClinVar aggregate classification (germline): Pathogenic. Review status: reviewed by expert panel (3 of 4 stars). 21 submissions from 21 submitters: Pathogenic (1). 20 of the submissions do not count toward it. Last evaluated 2026-04-01.

Conditions:
CAPN3-related disorder. Also called: CAPN3-related disorders; CAPN3-related condition. Identifiers: MedGen CN239245.
Muscular dystrophy, limb-girdle, autosomal dominant 4. Also called: MUSCULAR DYSTROPHY, LIMB-GIRDLE, TYPE 1I; Calpain-3-related limb-girdle muscular dystrophy D4. Identifiers: Orphanet 565909, MedGen C4748295, MONDO:0029133, OMIM 618129.
Autosomal recessive limb-girdle muscular dystrophy. Identifiers: Orphanet 102015, MedGen C2931907, MONDO:0015152.
Autosomal recessive limb-girdle muscular dystrophy type 2A (LGMDR1). Also called: Calpainopathy; Muscular dystrophy, limb-girdle, type 2A, Amish; LEYDEN-MOEBIUS MUSCULAR DYSTROPHY; MUSCULAR DYSTROPHY, PELVOFEMORAL; Limb-girdle muscular dystrophy, type 2A. Identifiers: Orphanet 267, MedGen C1869123, MONDO:0009675, OMIM 253600. Disease mechanism: loss of function.

Allele frequency attached by ClinVar (database versions not stated): ExAC 0.00005; gnomAD exomes 0.00006; gnomAD 0.00014 and 0.00016; ESP Exome Variant Server 0.00015; TOPMed 0.00015.
gnomAD v4.1: 92 of 1,613,902 alleles (0.0057%); highest among the groups gnomAD compares: Middle Eastern, 0.066%; no homozygotes.

Submissions 1 to 9 of 21:

ClinGen Limb Girdle Muscular Dystrophy Variant Curation Expert Panel, ClinGen
Classification: Pathogenic for Autosomal recessive limb-girdle muscular dystrophy. Last evaluated: 2026-04-01. Review status: reviewed by expert panel. Criteria: ClinGen LGMD VCEP ACMG Specifications CAPN3 V2.0.0. Collection method: curation. Allele origin: germline. Inheritance: Autosomal recessive inheritance.
Comment: The NM_000070.3: c.1466G>A variant in CAPN3 is a missense variant expected to cause the substitution of arginine with glutamine at position 489, p.(Arg489Gln). This variant has been identified in at least 8 individuals with features consistent with LGMD (PMID: 30989743, 10484770, 30564623, 17994539; LOVD CAPN3_000018; ClinVar SCV000645479.8 internal data communication), including confirmed in trans with a likely pathogenic or pathogenic variant in one case with LGMD (c.1711del p.(Leu571SerfsTer23), 1.0 pt, PMID: 17994539, 26404900), one case with hyperCKemia (c.1469G>A p.(Arg490Gln), 1.0 pt, PMID: 18854869, 14578192), and one case with chronic proximal muscle weakness (c.1715G>A (p.Arg572Gln), 1.0 pt, ClinVar SCV000645479.8 internal data communication). It has also been reported in unknown phase with a pathogenic variant in at least two patients (c.2182C>T p.(Gln728Ter), 0.5 pts, PMID: 30919934; c.550del, p.(Thr184ArgfsTer36), 0.5 pts, PMID: 30919934) and in unknown phase with a likely pathogenic variant in one patient (c.2440-1G>A, 0.25 pts, PMID: 30564623, LOVD Individual #00222689) (PM3_Very Strong). At least one individual with this variant and a second presumed diagnostic CAPN3 variant displayed progressive limb girdle muscle weakness and significantly reduced calpain-3 protein expression in skeletal muscle, which is specific for CAPN3-related LGMD (PMID: 17994539; PP4_Moderate). The Grpmax population frequency of this variant is 0.0003738 in gnomAD v4.1.0 (28/74900 African/African American chromosomes), which is greater than the ClinGen LGMD VCEP threshold (≤0.0001) (PM2_Supporting not met). The computational predictor REVEL gives a score of 0.881, which is above the LGMD VCEP threshold of ≥0.70, evidence that correlates with impact to CAPN3 function (PP3). A mini-gene assay showed that this variant may result in exon 11 skipping in a very small minority of transcripts; however, significant expression of transcripts with the normal annotated splice pattern was maintained (PMID: 32668095; PVS1_RNA not met). In summary, this variant meets the criteria to be classified as Pathogenic for autosomal recessive limb girdle muscular dystrophy based on the ACMG/AMP criteria applied, as specified by the ClinGen LGMD VCEP (LGMD VCEP specifications version 2.0.0; 04/01/2026): PM3_Very Strong, PP4_Moderate, PP3.

Mendelics
Classification: Pathogenic for Autosomal recessive limb-girdle muscular dystrophy type 2A. Last evaluated: 2026-03-05. Review status: criteria provided, single submitter. Criteria: ACMG Guidelines, 2015. Collection method: clinical testing. Allele origin: unknown. Not counted in ClinVar's aggregate classification.
Comment: Likely pathogenic/Pathogenic according to ACMG criteria.

Natera, Inc.
Classification: Pathogenic for Limb-girdle muscular dystrophy type 2A. Last evaluated: 2026-01-23. Review status: criteria provided, single submitter. Criteria: Natera Variant Classification Schema (03/2026). Collection method: clinical testing. Allele origin: germline. Not counted in ClinVar's aggregate classification.
Comment: The c.1466G>A variant in CAPN3 is a missense variant predicted to cause substitution of arginine to glutamine at amino acid 489. This variant is rare in the general population with a frequency below the threshold expected for the associated phenotype(s). This variant has been observed in one or more individuals affected with the associated recessive disease, as either homozygous or compound heterozygous with a second variant (PMID: 14578192, 17994539, 30919934). Computational prediction algorithms indicate this variant is likely to affect gene or protein function. Given the available evidence, this variant is classified as Pathogenic.

Labcorp Genetics (formerly Invitae), Labcorp
Classification: Pathogenic for Autosomal recessive limb-girdle muscular dystrophy type 2A. Last evaluated: 2026-01-18. Review status: criteria provided, single submitter. Criteria: Invitae Variant Classification Sherloc (09022015). Collection method: clinical testing. Allele origin: germline. Not counted in ClinVar's aggregate classification.
Comment: This sequence change replaces arginine, which is basic and polar, with glutamine, which is neutral and polar, at codon 489 of the CAPN3 protein (p.Arg489Gln). This variant is present in population databases (rs147764579, gnomAD 0.03%). This missense change has been observed in individuals with autosomal recessive limb-girdle muscular dystrophy (LGMD) (PMID: 14578192, 17236769, 30919934). ClinVar contains an entry for this variant (Variation ID: 289644). Invitae Evidence Modeling of protein sequence and biophysical properties (such as structural, functional, and spatial information, amino acid conservation, physicochemical variation, residue mobility, and thermodynamic stability) indicates that this missense variant is not expected to disrupt CAPN3 protein function with a negative predictive value of 80%. This variant disrupts the p.Arg489 amino acid residue in CAPN3. Other variant(s) that disrupt this residue have been determined to be pathogenic (PMID: 9762961, 16141003, 25135358, 27708273). This suggests that this residue is clinically significant, and that variants that disrupt this residue are likely to be disease-causing. For these reasons, this variant has been classified as Pathogenic.

PreventionGenetics, part of Exact Sciences
Classification: Pathogenic for CAPN3-related condition. Last evaluated: 2025-11-14. Review status: criteria provided, single submitter. Criteria: ACMG Guidelines, 2015. Collection method: clinical testing. Allele origin: germline. Not counted in ClinVar's aggregate classification.
Comment: The CAPN3 c.1466G>A variant is predicted to result in the amino acid substitution p.Arg489Gln. This variant has been repeatedly reported in the compound heterozygous or homozygous state in individuals with limb-girdle muscular dystrophy (Richard et al. 1999. PubMed ID: 10330340; Fanin et al. 2003. PubMed ID: 14578192; Supp. Table 1 in Ten Dam et al. 2019. PubMed ID: 30919934). Functional studies indicate this variant disrupts the normal autocatalytic activity (Fanin et al. 2003. PubMed ID: 14578192). This variant is reported in 0.028% of alleles in individuals of African descent in gnomAD. This variant is interpreted as pathogenic.

Variantyx, Inc.
Classification: Likely pathogenic for Autosomal recessive limb-girdle muscular dystrophy type 2A. Last evaluated: 2025-11-12. Review status: criteria provided, single submitter. Criteria: Variantyx Assertion Criteria 2022. Collection method: clinical testing. Allele origin: germline. Inheritance: Autosomal recessive inheritance. Affected: no. Not counted in ClinVar's aggregate classification.
Comment: This is a nonsynonymous variant in the CAPN3 gene (OMIM: 114240). Pathogenic variants in this gene have been associated with autosomal recessive limb-girdle muscular dystrophy 1. The clinical symptoms reported for this individual are highly specific for autosomal recessive limb-girdle muscular dystrophy 1, which has a limited genetic etiology (PMID: 14578192) (PP4). This variant has been identified in the homozygous or compound heterozygous state in at least 4 individuals reported in the published literature (PMID: 14578192, 30919934, 39678382 (PM3_Strong). Multiple computational algorithms predict a deleterious effect for this variant (REVEL score: 0.881) (PP3). The maximum allele frequency in non-founder control populations is 0.0374%. Based on the current evidence, this variant is classified as likely pathogenic for autosomal recessive limb-girdle muscular dystrophy 1.

Revvity Omics, Revvity
Classification: Pathogenic. Last evaluated: 2024-12-06. Review status: criteria provided, single submitter. Criteria: ACMG Guidelines, 2015. Collection method: clinical testing. Allele origin: germline. Not counted in ClinVar's aggregate classification.

GeneDx
Classification: Pathogenic. Last evaluated: 2024-11-05. Review status: criteria provided, single submitter. Criteria: GeneDx Variant Classification Process June 2021. Collection method: clinical testing. Allele origin: germline. Affected: yes. Not counted in ClinVar's aggregate classification.
Comment: Published functional studies demonstrate a damaging effect where normal autocatalytic calpain-3 activity was lost (PMID: 14578192); Reported in association with LGMD (PMID: 10330340, 14578192); Missense variants in nearby residues reported in the Human Gene Mutation Database in individuals with LGMD (HGMD); In silico analysis supports that this missense variant has a deleterious effect on protein structure/function; This variant is associated with the following publications: (PMID: 16884488, 16971480, 17236769, 31589614, 17994539, 15221789, 18854869, 32668095, 30919934, 10330340, 14578192)

Blueprint Genetics
Classification: Pathogenic for CAPN3-related disorders. Last evaluated: 2024-10-21. Review status: criteria provided, single submitter. Criteria: ACMG Guidelines, 2015. Collection method: clinical testing. Allele origin: germline. Affected: yes. Observed: 5 variant alleles. Not counted in ClinVar's aggregate classification.